The following is an entry in ClinVar:

ClinVar aggregate classification (germline): Uncertain significance. Review status: criteria provided, multiple submitters, no conflicts (2 of 4 stars). 2 submissions from 2 submitters: Uncertain significance (2). Last evaluated 2023-09-06.

Conditions:
Hereditary cancer-predisposing syndrome. Also called: Neoplastic Syndromes, Hereditary; Hereditary Cancer Syndrome; Tumor predisposition; Hereditary neoplastic syndrome. Identifiers: Orphanet 140162, MedGen C0027672, MeSH D009386, MONDO:0015356.
Parathyroid carcinoma (PRTC). Also called: Parathyroid gland carcinoma; CDC73-Related Parathyroid Carcinoma. Identifiers: Orphanet 143, MedGen C0687150, MONDO:0012004, OMIM 608266, HP:0006780.

Allele frequency attached by ClinVar (database versions not stated): gnomAD exomes below 0.00001.
gnomAD v4.1: 3 of 1,613,300 alleles (0.00019%); highest among the groups gnomAD compares: Non-Finnish European, 0.00025%; no homozygotes.

Submissions (2):

Labcorp Genetics (formerly Invitae), Labcorp
Classification: Uncertain significance for Parathyroid carcinoma. Last evaluated: 2023-09-06. Review status: criteria provided, single submitter. Criteria: Invitae Variant Classification Sherloc (09022015). Collection method: clinical testing. Allele origin: germline.
Comment: This variant is present in population databases (no rsID available, gnomAD 0.0009%). This sequence change replaces glutamine, which is neutral and polar, with proline, which is neutral and non-polar, at codon 411 of the CDC73 protein (p.Gln411Pro). This variant has not been reported in the literature in individuals affected with CDC73-related conditions. In summary, the available evidence is currently insufficient to determine the role of this variant in disease. Therefore, it has been classified as a Variant of Uncertain Significance. Advanced modeling of protein sequence and biophysical properties (such as structural, functional, and spatial information, amino acid conservation, physicochemical variation, residue mobility, and thermodynamic stability) performed at Invitae indicates that this missense variant is not expected to disrupt CDC73 protein function. ClinVar contains an entry for this variant (Variation ID: 970625).

Ambry Genetics
Classification: Uncertain significance for Hereditary cancer-predisposing syndrome. Last evaluated: 2021-05-06. Review status: criteria provided, single submitter. Criteria: Ambry Variant Classification Scheme 2023. Collection method: clinical testing. Allele origin: germline.
Comment: The p.Q411P variant (also known as c.1232A>C), located in coding exon 14 of the CDC73 gene, results from an A to C substitution at nucleotide position 1232. The glutamine at codon 411 is replaced by proline, an amino acid with similar properties. This amino acid position is highly conserved in available vertebrate species. In addition, this alteration is predicted to be tolerated by in silico analysis. Since supporting evidence is limited at this time, the clinical significance of this alteration remains unclear.

NM_024529.5(CDC73):c.1232A>C (p.Gln411Pro)

Gene: CDC73 (cell division cycle 73; plus strand). Cytogenetic location: 1q31.2.
Variant type: single nucleotide variant.
Coding change: c.1232A>C on transcript NM_024529.5 (MANE Select); coding-DNA position 1232, A replaced by C.
Protein change: p.Gln411Pro; replaces glutamine 411 with proline.
Molecular consequence: missense variant.
Genome position (GRCh38, 1-based): chr1:193,233,070, A>C. VCF-style: chr1-193233070-A-C. GRCh37 (hg19) VCF-style: chr1-193202200-A-C.
Other names: short protein forms Q411P.
Identifiers: ClinVar variation 970625 (VCV000970625.12), dbSNP rs1242516197, ClinGen allele CA344077886.